The following is an entry in ClinVar:

NM_000051.4(ATM):c.7356dup (p.Arg2453fs)

Genes: ATM (ATM serine/threonine kinase; plus strand), C11orf65 (chromosome 11 open reading frame 65; minus strand). Cytogenetic location: 11q22.3.
Variant type: Duplication.
Coding change: c.7356dup on transcript NM_000051.4 (MANE Select); coding-DNA position 7356, one base duplicated (G; older notation c.7356dupG).
Protein change: p.Arg2453fs; shifts the reading frame from arginine 2453.
Molecular consequence: frameshift variant. On other transcripts: intron variant (2).
Genome position (GRCh38, 1-based): chr11:108,330,262, G duplicated. VCF-style (leftmost placement, unchanged base first): chr11-108330261-T-TG. GRCh37 (hg19) VCF-style: chr11-108200988-T-TG.
Other names: c.7356dup, p.Arg2453fs (NM_001351834.2); c.641-21191dup (NM_001330368.2); c.*38+4958dup (NM_001351110.2); short protein forms R2453fs.
Identifiers: ClinVar variation 941019 (VCV000941019.25), dbSNP rs2086116982, ClinGen allele CA1139662176.
Genomic context (GRCh38, chr11:108,330,261, plus strand): 5'-TATTCTATGCAAGATACACAGTAAAGGTTCAGCGAGAGCTGGAGTTGGATGAATTAGCCC[T>TG]GCGTGCACTGAAAGAGGATCGTAAACGCTTCTTATGTAAAGCAGTTGAAAATTATATCAA-3'

ClinVar aggregate classification (germline): Pathogenic. Review status: criteria provided, single submitter (1 of 4 stars). 2 submissions from 2 submitters: Pathogenic (1). 1 of the submissions does not count toward it. Last evaluated 2019-09-01.

Conditions:
Gastric cancer. Also called: Stomach cancer; Malignant tumor of stomach. Identifiers: MedGen C0024623, MeSH D013274, MONDO:0001056, OMIM 613659, HP:0012126.
Ataxia-telangiectasia syndrome (AT). Also called: Ataxia-telangiectasia, complementation group D; AT, COMPLEMENTATION GROUP C; ATAXIA-TELANGIECTASIA, COMPLEMENTATION GROUP A; ATAXIA-TELANGIECTASIA, FRESNO VARIANT; Ataxia-telangiectasia; Ataxia telangiectasia (A-T). Identifiers: Orphanet 100, MedGen C0004135, MONDO:0008840, OMIM 208900.

Submissions (2):

Labcorp Genetics (formerly Invitae), Labcorp
Classification: Pathogenic for Ataxia-telangiectasia syndrome. Last evaluated: 2019-09-01. Review status: criteria provided, single submitter. Criteria: Invitae Variant Classification Sherloc (09022015). Collection method: clinical testing. Allele origin: germline.
Comment: This sequence change creates a premature translational stop signal (p.Arg2453Alafs*8) in the ATM gene. It is expected to result in an absent or disrupted protein product. This variant is not present in population databases (ExAC no frequency). This variant has not been reported in the literature in individuals with ATM-related conditions. Loss-of-function variants in ATM are known to be pathogenic (PMID: 23807571, 25614872). For these reasons, this variant has been classified as Pathogenic.

Laboratory for Genotyping Development, RIKEN
Classification: Pathogenic for Gastric cancer. Last evaluated: 2021-07-01. Review status: no assertion criteria provided. Collection method: research. Allele origin: germline. Not counted in ClinVar's aggregate classification.

Literature cited by the submitters: PubMed 23807571 (cited by Labcorp Genetics (formerly Invitae), Labcorp); PubMed 25614872 (cited by Labcorp Genetics (formerly Invitae), Labcorp); PubMed 36988593 (cited by Laboratory for Genotyping Development, RIKEN).